The following is an entry in ClinVar:

ClinVar aggregate classification (germline): Uncertain significance. Review status: criteria provided, multiple submitters, no conflicts (2 of 4 stars). 2 submissions from 2 submitters: Uncertain significance (2). Last evaluated 2026-07-21.

Conditions:
Fanconi anemia (FA). Also called: Fanconi's anemia. Identifiers: Orphanet 84, MedGen C0015625, MeSH D005199, MONDO:0019391.
Inborn genetic diseases. Identifiers: MedGen C0950123, MeSH D030342.

Allele frequency attached by ClinVar (database versions not stated): gnomAD exomes below 0.00001.
gnomAD v4.1: 1 of 1,614,066 alleles (0.000062%); highest among the groups gnomAD compares: South Asian, 0.0011%; no homozygotes.

Submissions (2):

Ambry Genetics
Classification: Uncertain significance for Inborn genetic diseases. Last evaluated: 2026-07-21. Review status: criteria provided, single submitter. Criteria: Ambry Variant Classification Scheme 2023. Collection method: clinical testing. Allele origin: germline.
Comment: The p.D1180G variant (also known as c.3539A>G), located in coding exon 14 of the FANCM gene, results from an A to G substitution at nucleotide position 3539. The aspartic acid at codon 1180 is replaced by glycine, an amino acid with similar properties. This amino acid position is conserved. In addition, this alteration is predicted to be tolerated by in silico analysis. Based on the available evidence, the clinical significance of this variant remains unclear.

Labcorp Genetics (formerly Invitae), Labcorp
Classification: Uncertain significance for Fanconi anemia. Last evaluated: 2021-03-17. Review status: criteria provided, single submitter. Criteria: Invitae Variant Classification Sherloc (09022015). Collection method: clinical testing. Allele origin: germline.
Comment: This sequence change replaces aspartic acid with glycine at codon 1180 of the FANCM protein (p.Asp1180Gly). The aspartic acid residue is weakly conserved and there is a moderate physicochemical difference between aspartic acid and glycine. In summary, the available evidence is currently insufficient to determine the role of this variant in disease. Therefore, it has been classified as a Variant of Uncertain Significance. Algorithms developed to predict the effect of sequence changes on RNA splicing suggest that this variant may create or strengthen a splice site, but this prediction has not been confirmed by published transcriptional studies. Algorithms developed to predict the effect of missense changes on protein structure and function are either unavailable or do not agree on the potential impact of this missense change (SIFT: "Tolerated"; PolyPhen-2: "Probably Damaging"; Align-GVGD: "Class C0"). This variant has not been reported in the literature in individuals with FANCM-related conditions. This variant is not present in population databases (ExAC no frequency).

NM_020937.4(FANCM):c.3539A>G (p.Asp1180Gly)

Gene: FANCM (FA complementation group M; plus strand). Cytogenetic location: 14q21.2.
Variant type: single nucleotide variant.
Coding change: c.3539A>G on transcript NM_020937.4 (MANE Select); coding-DNA position 3539, A replaced by G.
Protein change: p.Asp1180Gly; replaces aspartic acid 1180 with glycine.
Molecular consequence: missense variant.
Genome position (GRCh38, 1-based): chr14:45,176,293, A>G. VCF-style: chr14-45176293-A-G. GRCh37 (hg19) VCF-style: chr14-45645496-A-G.
Other names: c.3461A>G, p.Asp1154Gly (NM_001308133.2); c.3539A>G (NM_020937.2); short protein forms D1154G, D1180G.
Identifiers: ClinVar variation 1514078 (VCV001514078.9), dbSNP rs2139249394, ClinGen allele CA389601970.